The following is an entry in ClinVar:

ClinVar aggregate classification (germline): Uncertain significance (1 of 4 stars; one submission).

Conditions:
Mitochondrial complex II deficiency, nuclear type 1. Also called: SUCCINATE CoQ REDUCTASE DEFICIENCY. Identifiers: Orphanet 3208, MedGen C5700310, MONDO:0100294, OMIM 252011.
Pheochromocytoma/paraganglioma syndrome 5. Also called: SDHA-Related Hereditary Paraganglioma-Pheochromocytoma Syndrome; Paragangliomas 5. Identifiers: Orphanet 29072, MedGen C3279992, MONDO:0013602, OMIM 614165.

Allele frequency attached by ClinVar (database versions not stated): ExAC below 0.00001; gnomAD exomes below 0.00001.
gnomAD v4.1: 1 of 1,613,866 alleles (0.000062%); no homozygotes.

Submission:

Labcorp Genetics (formerly Invitae), Labcorp
Classification: Uncertain significance for Pheochromocytoma/paraganglioma syndrome 5; Mitochondrial complex II deficiency, nuclear type 1. Last evaluated: 2024-08-05. Review status: criteria provided, single submitter. Criteria: Invitae Variant Classification Sherloc (09022015). Collection method: clinical testing. Allele origin: germline.
Comment: This sequence change replaces valine, which is neutral and non-polar, with isoleucine, which is neutral and non-polar, at codon 253 of the SDHA protein (p.Val253Ile). This variant is not present in population databases (gnomAD no frequency). This variant has not been reported in the literature in individuals affected with SDHA-related conditions. ClinVar contains an entry for this variant (Variation ID: 412396). Advanced modeling of protein sequence and biophysical properties (such as structural, functional, and spatial information, amino acid conservation, physicochemical variation, residue mobility, and thermodynamic stability) performed at Invitae indicates that this missense variant is not expected to disrupt SDHA protein function with a negative predictive value of 95%. In summary, the available evidence is currently insufficient to determine the role of this variant in disease. Therefore, it has been classified as a Variant of Uncertain Significance.

NM_004168.4(SDHA):c.757G>A (p.Val253Ile)

Gene: SDHA (succinate dehydrogenase complex flavoprotein subunit A; plus strand). Cytogenetic location: 5p15.33.
Variant type: single nucleotide variant.
Coding change: c.757G>A on transcript NM_004168.4 (MANE Select); coding-DNA position 757, G replaced by A.
Protein change: p.Val253Ile; replaces valine 253 with isoleucine.
Molecular consequence: missense variant.
Genome position (GRCh38, 1-based): chr5:228,320, G>A. VCF-style: chr5-228320-G-A. GRCh37 (hg19) VCF-style: chr5-228435-G-A.
Other names: c.613G>A, p.Val205Ile (NM_001294332.2); c.757G>A, p.Val253Ile (NM_001330758.2); short protein forms V253I, V205I.
Identifiers: ClinVar variation 412396 (VCV000412396.12), dbSNP rs1126412, ClinGen allele CA3172960.
Genomic context (GRCh38, chr5:228,320, plus strand): 5'-GGTGTCATCGCACTGTGCATAGAGGACGGGTCCATCCATCGCATAAGAGCAAAGAACACT[G>A]TTGTTGCCACAGGGTAGGAATCTCATTTCTACTTTATTTTGTTTATAAAAATGAATAAAT-3'
Protein context (NP_004159.2, residues 243-263): SIHRIRAKNT[Val253Ile]VATGGYGRTY